The following is an entry in ClinVar:

ClinVar aggregate classification (germline): Benign/Likely benign. Review status: criteria provided, multiple submitters, no conflicts (2 of 4 stars). 5 submissions from 5 submitters: Benign (1); Likely benign (4). Last evaluated 2025-12-15.

Conditions:
Noonan syndrome 1 (NS1). Also called: FEMALE PSEUDO-TURNER SYNDROME; PTPN11-Related Noonan Syndrome; TURNER PHENOTYPE WITH NORMAL KARYOTYPE. Identifiers: Orphanet 648, MedGen C4551602, MONDO:0008104, OMIM 163950. Disease mechanism: gain of function.
Cardiofaciocutaneous syndrome 1 (CFC1). Also called: BRAF-Related Cardiofaciocutaneous Syndrome. Identifiers: Orphanet 1340, MedGen CN029449, MONDO:0007265, OMIM 115150. Disease mechanism: gain of function.
Colorectal cancer. Also called: Colorectal cancer, somatic; Malignant Colorectal Neoplasm. Identifiers: MedGen C0346629, MONDO:0005575, OMIM 114500.
LEOPARD syndrome 3 (LPRD3). Identifiers: Orphanet 500, MedGen C3150971, MONDO:0013380, OMIM 613707.
Noonan syndrome 7 (NS7). Also called: BRAF-Related Noonan Syndrome. Identifiers: Orphanet 648, MedGen C3150970, MONDO:0013379, OMIM 613706.
Melanoma, cutaneous malignant, susceptibility to, 1 (CMM1). Also called: DYSPLASTIC NEVUS SYNDROME, HEREDITARY; FAMILIAL ATYPICAL MOLE-MALIGNANT MELANOMA SYNDROME; MELANOMA, MALIGNANT; B-K MOLE SYNDROME. Identifiers: Orphanet 618, MedGen C1835047, MONDO:0007963, OMIM 155600.
Lung cancer. Also called: Lung cancer, somatic; Malignant tumor of lung. Identifiers: MedGen C0242379, MONDO:0008903, OMIM 211980.
Noonan syndrome and Noonan-related syndrome. Identifiers: Orphanet 98733, MedGen C5681679, MONDO:0020297.
RASopathy. Also called: rasopathies; Noonan spectrum disorder. Identifiers: Orphanet 536391, MedGen C5555857, MONDO:0021060.

Allele frequency attached by ClinVar (database versions not stated): ExAC 0.00001; gnomAD exomes 0.00002; gnomAD 0.00003; ESP Exome Variant Server 0.00048.

Submissions (5):

Women's Health and Genetics/Laboratory Corporation of America, LabCorp
Classification: Likely benign. Last evaluated: 2025-12-15. Review status: criteria provided, single submitter. Criteria: LabCorp Variant Classification Summary - May 2015. Collection method: clinical testing. Allele origin: germline.
Comment: Variant summary: BRAF c.2128-10_2128-9insC alters a nucleotide located at a position not widely known to affect splicing. Consensus agreement among computation tools predict no significant impact on normal splicing. However, these predictions have yet to be confirmed by functional studies. The variant allele was found at a frequency of 1.8e-05 in 170614 control chromosomes. The available data on variant occurrences in the general population are insufficient to allow any conclusion about variant significance. To our knowledge, no occurrence of c.2128-10_2128-9insC in individuals affected with BRAF-related conditions and no experimental evidence demonstrating its impact on protein function have been reported. ClinVar contains an entry for this variant (Variation ID: 1334201). Based on the evidence outlined above, the variant was classified as likely benign.

Labcorp Genetics (formerly Invitae), Labcorp
Classification: Likely benign for RASopathy. Last evaluated: 2025-04-17. Review status: criteria provided, single submitter. Criteria: Invitae Variant Classification Sherloc (09022015). Collection method: clinical testing. Allele origin: germline.

Blueprint Genetics
Classification: Likely benign. Last evaluated: 2023-06-16. Review status: criteria provided, single submitter. Criteria: ACMG Guidelines, 2015. Collection method: clinical testing. Allele origin: germline.

Fulgent Genetics
Classification: Likely benign for Colorectal cancer; Cardiofaciocutaneous syndrome 1; Melanoma, cutaneous malignant, susceptibility to, 1; Noonan syndrome 1; Lung cancer; Noonan syndrome 7; LEOPARD syndrome 3. Last evaluated: 2021-09-06. Review status: criteria provided, single submitter. Criteria: ACMG Guidelines, 2015. Collection method: clinical testing. Allele origin: unknown.

Genome Diagnostics Laboratory, The Hospital for Sick Children
Classification: Benign for Noonan syndrome and Noonan-related syndrome. Last evaluated: 2021-07-13. Review status: criteria provided, single submitter. Criteria: ACMG Guidelines, 2015. Collection method: clinical testing. Allele origin: germline.

NM_004333.6(BRAF):c.2128-10_2128-9insC

Gene: BRAF (B-Raf proto-oncogene, serine/threonine kinase; minus strand). Cytogenetic location: 7q34.
Variant type: Insertion.
Coding change: c.2128-10_2128-9insC on transcript NM_004333.6 (MANE Select); 10 bases into the intron before coding-DNA position 2128 through 9 bases into the intron before coding-DNA position 2128, C inserted.
Molecular consequence: intron variant.
Genome position: GRCh38 VCF-style: chr7-140734779-A-AG. GRCh37 (hg19) VCF-style: chr7-140434579-A-AG.
Other names: c.2127+5032_2127+5033insC (NM_001378474.1, NM_001378468.1); c.2026-10_2026-9insC (NM_001378470.1); c.1864-10_1864-9insC (NM_001378475.1); c.2017-10_2017-9insC (NM_001378471.1); c.2128-10_2128-9insC (NM_001354609.2); c.2248-10_2248-9insC (NM_001374258.1, NM_001374244.1); c.2137-10_2137-9insC (NM_001378467.1); c.1972-10_1972-9insC (NM_001378472.1, NM_001378473.1); and 1 more.
Identifiers: ClinVar variation 1334201 (VCV001334201.11), dbSNP rs758588300, ClinGen allele CA4516541.
Genomic context (GRCh38, chr7:140,734,779, plus strand): 5'-TGCGGTGAATTTTTGGCAATGAGCGGGCCAGCAGCTCAATAGAGGCGAGAATCTACAAAA[A>AG]AAAAAAGAAAAAAAAAAGAAAAAAAAAGAAAAAAGAAAAAAAAAGAAAGAAAGAAAAAGA-3'